The following is an entry in ClinVar:

NM_080425.4(GNAS):c.-70T>C

Gene: GNAS (GNAS complex locus; plus strand). Cytogenetic location: 20q13.32.
Variant type: single nucleotide variant.
Coding change: c.-70T>C on transcript NM_080425.4 (MANE Plus Clinical); 70 bases upstream of the start codon, T replaced by C.
Molecular consequence: 5 prime UTR variant. On other transcripts: intron variant (3).
Genome position (GRCh38, 1-based): chr20:58,853,196, T>C. VCF-style: chr20-58853196-T-C. GRCh37 (hg19) VCF-style: chr20-57428251-T-C.
Other names: c.-257T>C (NM_001077490.3, NM_001309883.1); c.-70T>C (NM_001410913.1); c.*42+12310T>C (NM_016592.5); c.43+12310T>C (NM_001410912.1); c.-39+11321T>C (NM_001309861.2).
Identifiers: ClinVar variation 3058566 (VCV003058566.2), dbSNP rs751779579, ClinGen allele CA316340971.

ClinVar aggregate classification (germline): Likely benign (0 of 4 stars; one submission).

Conditions:
GNAS-related disorder. Identifiers: MedGen CN380105.

Allele frequency attached by ClinVar (database versions not stated): gnomAD 0.00001; gnomAD exomes 0.00001; TOPMed below 0.00001.
gnomAD v4.1: 13 of 1,457,274 alleles (0.00089%); highest among the groups gnomAD compares: Non-Finnish European, 0.0012%; no homozygotes.

Submission:

PreventionGenetics, part of Exact Sciences
Classification: Likely benign for GNAS-related condition. Last evaluated: 2023-02-03. Review status: no assertion criteria provided. Collection method: clinical testing. Allele origin: germline.
Comment: This variant is classified as likely benign based on ACMG/AMP sequence variant interpretation guidelines (Richards et al. 2015 PMID: 25741868, with internal and published modifications).